The following is an entry in ClinVar:

ClinVar aggregate classification (germline): Likely pathogenic (1 of 4 stars; one submission).

Submission:

Labcorp Genetics (formerly Invitae), Labcorp
Classification: Likely pathogenic. Last evaluated: 2022-01-12. Review status: criteria provided, single submitter. Criteria: Invitae Variant Classification Sherloc (09022015). Collection method: clinical testing. Allele origin: germline.
Comment: Algorithms developed to predict the effect of missense changes on protein structure and function (SIFT, PolyPhen-2, Align-GVGD) all suggest that this variant is likely to be disruptive. This missense change has been observed in individual(s) with RUNX2-related conditions (Invitae). In at least one individual the variant was observed to be de novo. This variant is not present in population databases (gnomAD no frequency). This sequence change replaces isoleucine, which is neutral and non-polar, with serine, which is neutral and polar, at codon 217 of the RUNX2 protein (p.Ile217Ser). Algorithms developed to predict the effect of sequence changes on RNA splicing suggest that this variant may create or strengthen a splice site. In summary, the currently available evidence indicates that the variant is pathogenic, but additional data are needed to prove that conclusively. Therefore, this variant has been classified as Likely Pathogenic.

NM_001024630.4(RUNX2):c.650T>G (p.Ile217Ser)

Gene: RUNX2 (RUNX family transcription factor 2; plus strand). Cytogenetic location: 6p21.1.
Variant type: single nucleotide variant.
Coding change: c.650T>G on transcript NM_001024630.4 (MANE Select); coding-DNA position 650, T replaced by G.
Protein change: p.Ile217Ser; replaces isoleucine 217 with serine.
Molecular consequence: missense variant.
Genome position (GRCh38, 1-based): chr6:45,438,016, T>G. VCF-style: chr6-45438016-T-G. GRCh37 (hg19) VCF-style: chr6-45405753-T-G.
Other names: c.650T>G, p.Ile217Ser (NM_001015051.4); c.608T>G, p.Ile203Ser (NM_001278478.2, NM_001369405.1); short protein forms I217S, I203S.
Identifiers: ClinVar variation 1486642 (VCV001486642.6), dbSNP rs2150371895, ClinGen allele CA363955342.